The following is an entry in ClinVar:

ClinVar aggregate classification (germline): Uncertain significance (1 of 4 stars; one submission).

Submission:

Labcorp Genetics (formerly Invitae), Labcorp
Classification: Uncertain significance. Last evaluated: 2023-06-18. Review status: criteria provided, single submitter. Criteria: Invitae Variant Classification Sherloc (09022015). Collection method: clinical testing. Allele origin: germline.
Comment: This sequence change creates a premature translational stop signal (p.Thr80Alafs*78) in the KCNK4 gene. It is expected to result in an absent or disrupted protein product. However, the current clinical and genetic evidence is not sufficient to establish whether loss-of-function variants in KCNK4 cause disease. In summary, the available evidence is currently insufficient to determine the role of this variant in disease. Therefore, it has been classified as a Variant of Uncertain Significance. This variant has not been reported in the literature in individuals affected with KCNK4-related conditions. This variant is not present in population databases (gnomAD no frequency).

NM_033310.3(KCNK4):c.237_240del (p.Thr80fs)

Genes: KCNK4 (potassium two pore domain channel subfamily K member 4; plus strand), KCNK4-CATSPERZ (KCNK4-CATSPERZ readthrough (NMD candidate); plus strand). Cytogenetic location: 11q13.1.
Variant type: Deletion.
Coding change: c.237_240del on transcript NM_033310.3 (MANE Select); coding-DNA positions 237 to 240, 4 bases deleted (GACC; older notation c.237_240delGACC).
Protein change: p.Thr80fs; shifts the reading frame from threonine 80.
Molecular consequence: frameshift variant. On other transcripts: non-coding transcript variant (3).
Genome position (GRCh38, 1-based): chr11:64,296,925-64,296,928, GACC deleted; deleting any 4 consecutive bases within chr11:64,296,924-64,296,928 gives the same sequence; the c. name uses the placement nearest the transcript's 3' end. VCF-style (leftmost placement, unchanged base first): chr11-64296923-TCGAC-T. GRCh37 (hg19) VCF-style: chr11-64064395-TCGAC-T.
Other names: c.237_240delGACC, p.Thr80Alafs (NM_033311.1); c.237_240del, p.Thr80fs (NM_001317090.2); short protein forms T80fs.
Identifiers: ClinVar variation 2718880 (VCV002718880.3), dbSNP rs2495686380, ClinGen allele CA2697548631.
Genomic context (GRCh38, chr11:64,296,923, plus strand): 5'-CACCTTGTCCTGCAGGAGGTGGCTGATGCCCTGGGAGGGGGTGCGGACCCAGAAACCAAC[TCGAC>T]CAGCAACAGCAGCCACTCAGCCTGGGACCTGGGCAGCGCCTTCTTTTTCTCAGGGACCAT-3'